The following is an entry in ClinVar:

ClinVar aggregate classification (germline): Conflicting classifications of pathogenicity. Review status: criteria provided, conflicting classifications (1 of 4 stars). 8 submissions from 8 submitters: Uncertain significance (1); Benign (1); Likely benign (4). 2 of the submissions do not count toward it. Last evaluated 2026-09-24.

Conditions:
HAMP-related disorder. Also called: HAMP-related condition.
Hemochromatosis type 2B (HFE2B). Also called: Juvenile-Onset Hemochromatosis; HAMP-Related Juvenile Hemochromatosis. Identifiers: Orphanet 79230, MedGen C1865616, MONDO:0013220, OMIM 613313.
Hemochromatosis, type 2a, modifier of.
Hereditary hemochromatosis (HFE). Identifiers: MedGen C0392514, MONDO:0006507. Disease mechanism: loss of function.
Hemochromatosis type 1 (HFE1). Also called: HFE-Related Hemochromatosis; HFE-Associated Hereditary Hemochromatosis. Identifiers: Orphanet 465508, MedGen C3469186, MONDO:0021001, OMIM 235200. Disease mechanism: loss of function.

Allele frequency attached by ClinVar (database versions not stated): 1000 Genomes Project 30x 0.00031; 1000 Genomes Project 0.00040; gnomAD exomes 0.00168 and 0.00272; TOPMed 0.00175; gnomAD 0.00186 and 0.00197; ExAC 0.00203.
gnomAD v4.1: 4,227 of 1,614,026 alleles (0.26%); highest among the groups gnomAD compares: Non-Finnish European, 0.32%; 5 homozygotes.

Submissions (8):

GeneDx
Classification: Uncertain significance. Last evaluated: 2026-09-24. Review status: criteria provided, single submitter. Criteria: GeneDx Variant Classification Process June 2021. Collection method: clinical testing. Allele origin: germline.
Comment: In silico analysis suggests that this missense variant does not alter protein structure/function; This variant is associated with the following publications: (PMID: 12915468, 34426522, 38954212, Bakirova2025[Article], 39114232, Liana2025[Article], 41968586, 19214511, 25117103, 27753142, 30319197, 32588561, 35895739, 21088809)

Labcorp Genetics (formerly Invitae), Labcorp
Classification: Likely benign for Hereditary hemochromatosis. Last evaluated: 2026-01-31. Review status: criteria provided, single submitter. Criteria: Invitae Variant Classification Sherloc (09022015). Collection method: clinical testing. Allele origin: germline.

CeGaT Center for Human Genetics Tuebingen
Classification: Likely benign. Last evaluated: 2025-02-01. Review status: criteria provided, single submitter. Criteria: CeGaT Center For Human Genetics Tuebingen Variant Classification Criteria Version 2. Collection method: clinical testing. Allele origin: germline. Affected: yes. Observed: 1 variant allele.
Comment: HAMP: BS1

Blueprint Genetics
Classification: Likely benign. Last evaluated: 2024-11-28. Review status: criteria provided, single submitter. Criteria: ACMG Guidelines, 2015. Collection method: clinical testing. Allele origin: germline.

Mendelics
Classification: Benign for Hemochromatosis type 1. Last evaluated: 2019-05-28. Review status: criteria provided, single submitter. Criteria: Mendelics Assertion Criteria 2017. Collection method: clinical testing. Allele origin: unknown.

Illumina Laboratory Services, Illumina
Classification: Likely benign for Hemochromatosis type 2B. Last evaluated: 2017-04-27. Review status: criteria provided, single submitter. Criteria: ICSL Variant Classification Criteria 13 December 2019. Collection method: clinical testing. Allele origin: germline.
Comment: This variant was observed as part of a predisposition screen in an ostensibly healthy population. A literature search was performed for the gene, cDNA change, and amino acid change (where applicable). Publications were found based on this search. The evidence from the literature, in combination with allele frequency data from public databases where available, was sufficient to determine this variant is unlikely to cause disease. Therefore, this variant is classified as likely benign.

PreventionGenetics, part of Exact Sciences
Classification: Likely benign for HAMP-related condition. Last evaluated: 2023-06-09. Review status: no assertion criteria provided. Collection method: clinical testing. Allele origin: germline. Not counted in ClinVar's aggregate classification.
Comment: This variant is classified as likely benign based on ACMG/AMP sequence variant interpretation guidelines (Richards et al. 2015 PMID: 25741868, with internal and published modifications).

OMIM
Classification: risk factor for HEMOCHROMATOSIS, TYPE 2A, MODIFIER OF. Last evaluated: 2003-09-01. Review status: no assertion criteria provided. Collection method: literature only. Allele origin: germline. Not counted in ClinVar's aggregate classification.

Literature cited by the submitters: PubMed 12915468 (cited by Illumina Laboratory Services, Illumina and OMIM); PubMed 19214511 (cited by Illumina Laboratory Services, Illumina).

NM_021175.4(HAMP):c.212G>A (p.Gly71Asp)

Gene: HAMP (hepcidin antimicrobial peptide; plus strand). Cytogenetic location: 19q13.12.
Variant type: single nucleotide variant.
Coding change: c.212G>A on transcript NM_021175.4 (MANE Select); coding-DNA position 212, G replaced by A.
Protein change: p.Gly71Asp; replaces glycine 71 with aspartic acid.
Molecular consequence: missense variant.
Genome position (GRCh38, 1-based): chr19:35,284,999, G>A. VCF-style: chr19-35284999-G-A. GRCh37 (hg19) VCF-style: chr19-35775902-G-A.
Other names: c.212G>A (NM_021175.3); short protein forms G71D.
Identifiers: ClinVar variation 4286 (VCV000004286.48), dbSNP rs104894696, ClinGen allele CA340226.